The following is an entry in ClinVar:

ClinVar aggregate classification (germline): Uncertain significance (1 of 4 stars; one submission).

gnomAD v4.1: 2 of 1,614,094 alleles (0.00012%); highest among the groups gnomAD compares: Non-Finnish European, 0.00017%; no homozygotes.

Submission:

Ambry Genetics
Classification: Uncertain significance. Last evaluated: 2022-01-15. Review status: criteria provided, single submitter. Criteria: Ambry Variant Classification Scheme 2023. Collection method: clinical testing. Allele origin: germline.
Comment: The p.F1810I variant (also known as c.5428T>A), located in coding exon 5 of the ALPK2 gene, results from a T to A substitution at nucleotide position 5428. The phenylalanine at codon 1810 is replaced by isoleucine, an amino acid with highly similar properties. This amino acid position is conserved. In addition, the in silico prediction for this alteration is inconclusive. Since supporting evidence is limited at this time, the clinical significance of this alteration remains unclear.

NM_052947.4(ALPK2):c.5428T>A (p.Phe1810Ile)

Gene: ALPK2 (alpha kinase 2; minus strand). Cytogenetic location: 18q21.31.
Variant type: single nucleotide variant.
Coding change: c.5428T>A on transcript NM_052947.4 (MANE Select); coding-DNA position 5428, T replaced by A.
Protein change: p.Phe1810Ile; replaces phenylalanine 1810 with isoleucine.
Molecular consequence: missense variant.
Genome position (GRCh38, 1-based): chr18:58,529,164, A>T on the plus strand (T>A on the coding strand, the complement: ALPK2 is on the minus strand). VCF-style: chr18-58529164-A-T. GRCh37 (hg19) VCF-style: chr18-56196396-A-T.
Other names: short protein forms F1810I.
Identifiers: ClinVar variation 1747475 (VCV001747475.2), dbSNP rs2518869580, ClinGen allele CA402554021.